The following is an entry in ClinVar:

NM_001367561.1(DOCK7):c.5332C>G (p.Leu1778Val)

Gene: DOCK7 (dedicator of cytokinesis 7; minus strand). Cytogenetic location: 1p31.3.
Variant type: single nucleotide variant.
Coding change: c.5332C>G on transcript NM_001367561.1 (MANE Select); coding-DNA position 5332, C replaced by G.
Protein change: p.Leu1778Val; replaces leucine 1778 with valine.
Molecular consequence: missense variant.
Genome position (GRCh38, 1-based): chr1:62,492,733, G>C on the plus strand (C>G on the coding strand, the complement: DOCK7 is on the minus strand). VCF-style: chr1-62492733-G-C. GRCh37 (hg19) VCF-style: chr1-62958404-G-C.
Other names: c.5305C>G, p.Leu1769Val (NM_001271999.2, NM_001330614.2); c.5212C>G, p.Leu1738Val (NM_001272000.2, NM_001272001.2); c.5239C>G, p.Leu1747Val (NM_033407.4); short protein forms L1738V, L1769V, L1778V, L1747V.
Identifiers: ClinVar variation 2040515 (VCV002040515.4), dbSNP rs2524027608, ClinGen allele CA340611164.

ClinVar aggregate classification (germline): Uncertain significance (1 of 4 stars; one submission).

Conditions:
Developmental and epileptic encephalopathy, 23 (DEE23). Also called: Epileptic encephalopathy, early infantile, 23. Identifiers: Orphanet 411986, MedGen C4014492, MONDO:0014371, OMIM 615859.

Submission:

Labcorp Genetics (formerly Invitae), Labcorp
Classification: Uncertain significance for Developmental and epileptic encephalopathy, 23. Last evaluated: 2022-11-22. Review status: criteria provided, single submitter. Criteria: Invitae Variant Classification Sherloc (09022015). Collection method: clinical testing. Allele origin: germline.
Comment: Advanced modeling of protein sequence and biophysical properties (such as structural, functional, and spatial information, amino acid conservation, physicochemical variation, residue mobility, and thermodynamic stability) performed at Invitae indicates that this missense variant is not expected to disrupt DOCK7 protein function. In summary, the available evidence is currently insufficient to determine the role of this variant in disease. Therefore, it has been classified as a Variant of Uncertain Significance. Algorithms developed to predict the effect of sequence changes on RNA splicing suggest that this variant may create or strengthen a splice site. This variant has not been reported in the literature in individuals affected with DOCK7-related conditions. This variant is not present in population databases (gnomAD no frequency). This sequence change replaces leucine, which is neutral and non-polar, with valine, which is neutral and non-polar, at codon 1769 of the DOCK7 protein (p.Leu1769Val).